The following is an entry in ClinVar:

ClinVar aggregate classification (germline): Uncertain significance (1 of 4 stars; one submission).

Submission:

Labcorp Genetics (formerly Invitae), Labcorp
Classification: Uncertain significance. Last evaluated: 2022-10-04. Review status: criteria provided, single submitter. Criteria: Invitae Variant Classification Sherloc (09022015). Collection method: clinical testing. Allele origin: germline.
Comment: This variant is not present in population databases (gnomAD no frequency). In summary, the available evidence is currently insufficient to determine the role of this variant in disease. Therefore, it has been classified as a Variant of Uncertain Significance. Algorithms developed to predict the effect of missense changes on protein structure and function (SIFT, PolyPhen-2, Align-GVGD) all suggest that this variant is likely to be tolerated. ClinVar contains an entry for this variant (Variation ID: 1410383). This variant has not been reported in the literature in individuals affected with IFNAR2-related conditions. This sequence change replaces alanine, which is neutral and non-polar, with proline, which is neutral and non-polar, at codon 328 of the IFNAR2 protein (p.Ala328Pro).

NM_001289125.3(IFNAR2):c.982G>C (p.Ala328Pro)

Genes: IFNAR2 (interferon alpha and beta receptor subunit 2; plus strand), IFNAR2-IL10RB (IFNAR2-IL10RB readthrough; plus strand). Cytogenetic location: 21q22.11.
Variant type: single nucleotide variant.
Coding change: c.982G>C on transcript NM_001289125.3 (MANE Select); coding-DNA position 982, G replaced by C.
Protein change: p.Ala328Pro; replaces alanine 328 with proline.
Molecular consequence: missense variant. On other transcripts: 3 prime UTR variant (5).
Genome position (GRCh38, 1-based): chr21:33,262,934, G>C. VCF-style: chr21-33262934-G-C. GRCh37 (hg19) VCF-style: chr21-34635239-G-C.
Other names: c.*218G>C (NM_000874.5, NM_207584.3); c.*131G>C (NM_001289126.2, NM_001289128.2); c.*357G>C (NM_001385054.1); c.982G>C, p.Ala328Pro (NM_001385055.1, NM_207585.3); short protein forms A328P.
Identifiers: ClinVar variation 1410383 (VCV001410383.6), dbSNP rs2123541742, ClinGen allele CA410104765.